The following is an entry in ClinVar:

NM_004974.4(KCNA2):c.1304G>A (p.Cys435Tyr)

Gene: KCNA2 (potassium voltage-gated channel subfamily A member 2; minus strand). Cytogenetic location: 1p13.3.
Variant type: single nucleotide variant.
Coding change: c.1304G>A on transcript NM_004974.4 (MANE Select); coding-DNA position 1304, G replaced by A.
Protein change: p.Cys435Tyr; replaces cysteine 435 with tyrosine.
Molecular consequence: missense variant. On other transcripts: intron variant (1).
Genome position (GRCh38, 1-based): chr1:110,603,479, C>T on the plus strand (G>A on the coding strand, the complement: KCNA2 is on the minus strand). VCF-style: chr1-110603479-C-T. GRCh37 (hg19) VCF-style: chr1-111146101-C-T.
Other names: c.894+410G>A (NM_001204269.2); short protein forms C435Y.
Identifiers: ClinVar variation 1306936 (VCV001306936.9), dbSNP rs1553181236, ClinGen allele CA341600910.
Genomic context (GRCh38, chr1:110,603,479, plus strand): 5'-TTACTAATGGTAGAGGCACTTCTACTTTTCTTTAGGTCAGGGGAGGATGGGATCTTTGGA[C>T]AGCTTGTCACTTGCAAGTATTGGGCCTGTTCCTCTCCCTCTGTCTCCCGGTGGTAGAAGT-3'
Protein context (NP_004965.1, residues 425-445): EQAQYLQVTS[Cys435Tyr]PKIPSSPDLK

ClinVar aggregate classification (germline): Uncertain significance. Review status: criteria provided, multiple submitters, no conflicts (2 of 4 stars). 2 submissions from 2 submitters: Uncertain significance (2). Last evaluated 2023-08-05.

Conditions:
Developmental and epileptic encephalopathy, 32 (DEE32). Also called: Epileptic encephalopathy, early infantile, 32. Identifiers: Orphanet 442835, MedGen C4225350, MONDO:0014607, OMIM 616366.

Submissions (2):

Labcorp Genetics (formerly Invitae), Labcorp
Classification: Uncertain significance for Developmental and epileptic encephalopathy, 32. Last evaluated: 2023-08-05. Review status: criteria provided, single submitter. Criteria: Invitae Variant Classification Sherloc (09022015). Collection method: clinical testing. Allele origin: germline.
Comment: This sequence change replaces cysteine, which is neutral and slightly polar, with tyrosine, which is neutral and polar, at codon 435 of the KCNA2 protein (p.Cys435Tyr). This variant is not present in population databases (gnomAD no frequency). This variant has not been reported in the literature in individuals affected with KCNA2-related conditions. ClinVar contains an entry for this variant (Variation ID: 1306936). Advanced modeling of protein sequence and biophysical properties (such as structural, functional, and spatial information, amino acid conservation, physicochemical variation, residue mobility, and thermodynamic stability) performed at Invitae indicates that this missense variant is not expected to disrupt KCNA2 protein function. In summary, the available evidence is currently insufficient to determine the role of this variant in disease. Therefore, it has been classified as a Variant of Uncertain Significance.

GeneDx
Classification: Uncertain significance. Last evaluated: 2019-07-10. Review status: criteria provided, single submitter. Criteria: GeneDx Variant Classification Process June 2021. Collection method: clinical testing. Allele origin: germline. Affected: yes.
Comment: Not observed in large population cohorts (Lek et al., 2016); In silico analysis, which includes protein predictors and evolutionary conservation, supports a deleterious effect; Has not been previously published as pathogenic or benign to our knowledge